The following is an entry in ClinVar:

NM_001377295.2(GNAT2):c.909A>G (p.Ile303Met)

Gene: GNAT2 (G protein subunit alpha transducin 2; minus strand). Cytogenetic location: 1p13.3.
Variant type: single nucleotide variant.
Coding change: c.909A>G on transcript NM_001377295.2 (MANE Select); coding-DNA position 909, A replaced by G.
Protein change: p.Ile303Met; replaces isoleucine 303 with methionine.
Molecular consequence: missense variant.
Genome position (GRCh38, 1-based): chr1:109,603,510, T>C on the plus strand (A>G on the coding strand, the complement: GNAT2 is on the minus strand). VCF-style: chr1-109603510-T-C. GRCh37 (hg19) VCF-style: chr1-110146132-T-C.
Other names: c.909A>G, p.Ile303Met (NM_001379232.1, NM_005272.5); short protein forms I303M.
Identifiers: ClinVar variation 859230 (VCV000859230.6), dbSNP rs1309275044, ClinGen allele CA341532670.

ClinVar aggregate classification (germline): Uncertain significance (1 of 4 stars; one submission).

Allele frequency attached by ClinVar (database versions not stated): gnomAD exomes below 0.00001 and 0.00001.
gnomAD v4.1: 12 of 1,611,722 alleles (0.00074%); highest among the groups gnomAD compares: Non-Finnish European, 0.00093%; no homozygotes.

Submission:

Labcorp Genetics (formerly Invitae), Labcorp
Classification: Uncertain significance. Last evaluated: 2022-08-23. Review status: criteria provided, single submitter. Criteria: Invitae Variant Classification Sherloc (09022015). Collection method: clinical testing. Allele origin: germline.
Comment: In summary, the available evidence is currently insufficient to determine the role of this variant in disease. Therefore, it has been classified as a Variant of Uncertain Significance. Algorithms developed to predict the effect of missense changes on protein structure and function are either unavailable or do not agree on the potential impact of this missense change (SIFT: "Deleterious"; PolyPhen-2: "Probably Damaging"; Align-GVGD: "Class C0"). This sequence change replaces isoleucine, which is neutral and non-polar, with methionine, which is neutral and non-polar, at codon 303 of the GNAT2 protein (p.Ile303Met). ClinVar contains an entry for this variant (Variation ID: 859230). This variant has not been reported in the literature in individuals affected with GNAT2-related conditions. This variant is present in population databases (no rsID available, gnomAD 0.0009%).